The following is an entry in ClinVar:

ClinVar aggregate classification (germline): Likely benign. Review status: criteria provided, multiple submitters, no conflicts (2 of 4 stars). 2 submissions from 2 submitters: Likely benign (2). Last evaluated 2026-05-13.

Conditions:
YARS1-related disorder. Also called: YARS1-related condition.
Charcot-Marie-Tooth disease dominant intermediate C (CMTDIC). Also called: CHARCOT-MARIE-TOOTH NEUROPATHY, DOMINANT INTERMEDIATE C. Identifiers: Orphanet 100045, MedGen C1842237, MONDO:0012012, OMIM 608323.

Allele frequency attached by ClinVar (database versions not stated): gnomAD exomes below 0.00001; TOPMed 0.00003.
gnomAD v4.1: 6 of 1,614,050 alleles (0.00037%); highest among the groups gnomAD compares: Admixed American, 0.0067%; no homozygotes.

Submissions (2):

PreventionGenetics, part of Exact Sciences
Classification: Likely benign for YARS1-related condition. Last evaluated: 2026-05-13. Review status: criteria provided, single submitter. Criteria: ACMG Guidelines, 2015. Collection method: clinical testing. Allele origin: germline.
Comment: This variant is classified as likely benign based on ACMG/AMP sequence variant interpretation guidelines (Richards et al. 2015 PMID: 25741868, with internal and published modifications).

Labcorp Genetics (formerly Invitae), Labcorp
Classification: Likely benign for Charcot-Marie-Tooth disease dominant intermediate C. Last evaluated: 2023-08-17. Review status: criteria provided, single submitter. Criteria: Invitae Variant Classification Sherloc (09022015). Collection method: clinical testing. Allele origin: germline.

NM_003680.4(YARS1):c.1527C>T (p.Asn509=)

Gene: YARS1 (tyrosyl-tRNA synthetase 1; minus strand). Cytogenetic location: 1p35.1.
Variant type: single nucleotide variant.
Coding change: c.1527C>T on transcript NM_003680.4 (MANE Select); coding-DNA position 1527, C replaced by T.
Protein change: p.Asn509=; no amino-acid change (asparagine 509 retained).
Molecular consequence: synonymous variant.
Genome position (GRCh38, 1-based): chr1:32,776,041, G>A on the plus strand (C>T on the coding strand, the complement: YARS1 is on the minus strand). VCF-style: chr1-32776041-G-A. GRCh37 (hg19) VCF-style: chr1-33241642-G-A.
Identifiers: ClinVar variation 761342 (VCV000761342.9), dbSNP rs1557442867, ClinGen allele CA417060398.